The following is an entry in ClinVar:

NM_001324418.2(ADAM22):c.2153A>G (p.Asn718Ser)

Gene: ADAM22 (ADAM metallopeptidase domain 22; plus strand). Cytogenetic location: 7q21.12.
Variant type: single nucleotide variant.
Coding change: c.2153A>G on transcript NM_001324418.2 (MANE Select); coding-DNA position 2153, A replaced by G.
Protein change: p.Asn718Ser; replaces asparagine 718 with serine.
Molecular consequence: missense variant.
Genome position (GRCh38, 1-based): chr7:88,165,908, A>G. VCF-style: chr7-88165908-A-G. GRCh37 (hg19) VCF-style: chr7-87795223-A-G.
Other names: c.2150A>G, p.Asn717Ser (NM_001324417.2, NM_001324419.2, NM_001391978.1 and 2 more transcripts); c.2153A>G, p.Asn718Ser (NM_001324420.2, NM_001324421.2, NM_001391976.1 and 6 more transcripts); c.2204A>G, p.Asn735Ser (NM_001391975.1, NM_001391980.1); c.2129A>G, p.Asn710Ser (NM_001391982.1); short protein forms N717S, N718S, N710S, N735S.
Identifiers: ClinVar variation 755263 (VCV000755263.6), dbSNP rs192156761, ClinGen allele CA4330740.

ClinVar aggregate classification (germline): Likely benign. Review status: criteria provided, single submitter (1 of 4 stars). 2 submissions from 2 submitters: Likely benign (1). 1 of the submissions does not count toward it. Last evaluated 2019-12-31.

Conditions:
ADAM22-related disorder. Also called: ADAM22-related condition.

Allele frequency attached by ClinVar (database versions not stated): gnomAD exomes 0.00007 and 0.00033; ExAC 0.00017; 1000 Genomes Project 0.00040; 1000 Genomes Project 30x 0.00047; gnomAD 0.00048 and 0.00049; TOPMed 0.00056.
gnomAD v4.1: 180 of 1,611,876 alleles (0.011%); highest among the groups gnomAD compares: Admixed American, 0.25%; 1 homozygote.

Submissions (2):

Labcorp Genetics (formerly Invitae), Labcorp
Classification: Likely benign. Last evaluated: 2019-12-31. Review status: criteria provided, single submitter. Criteria: Invitae Variant Classification Sherloc (09022015). Collection method: clinical testing. Allele origin: germline.

PreventionGenetics, part of Exact Sciences
Classification: Likely benign for ADAM22-related condition. Last evaluated: 2022-04-18. Review status: no assertion criteria provided. Collection method: clinical testing. Allele origin: germline. Not counted in ClinVar's aggregate classification.
Comment: This variant is classified as likely benign based on ACMG/AMP sequence variant interpretation guidelines (Richards et al. 2015 PMID: 25741868, with internal and published modifications).